The following is an entry in ClinVar:

ClinVar aggregate classification (germline): Pathogenic (0 of 4 stars; one submission).

Conditions:
Cataract 36. Identifiers: MedGen C3151304, MONDO:0013484, OMIM 613887.

Submission:

Institute of Reproductive and Stem Cell Engineering, Central South University
Classification: Pathogenic for Cataract 36. Last evaluated: 2017-04-02. Review status: no assertion criteria provided. Collection method: research. Allele origin: germline, not applicable. Inheritance: Autosomal recessive inheritance. Affected: yes and no. Observed: 6 variant alleles, 4 heterozygotes, 2 homozygotes.
Comment: A novel loss-of-function mutation (c.c.689dupA (p.Y230X)) in TDRD7 via genetic analysis of consanguineous families using whole exome sequencing and targeted gene screening. The mutation leads to a novel rare syndrome combining congenital cataract (CC) with non-obstructive azoospermia (NOA) in males and congenital cataract alone in females in a clear autosomal recessive mode.

NM_014290.3(TDRD7):c.689dup (p.Tyr230Ter)

Gene: TDRD7 (tudor domain containing 7; plus strand). Cytogenetic location: 9q22.33.
Variant type: Duplication.
Coding change: c.689dup on transcript NM_014290.3 (MANE Select); coding-DNA position 689, one base duplicated (A; older notation c.689dupA).
Protein change: p.Tyr230Ter; replaces tyrosine 230 with a stop codon.
Molecular consequence: nonsense.
Genome position (GRCh38, 1-based): chr9:97,441,709, A duplicated. VCF-style (leftmost placement, unchanged base first): chr9-97441708-T-TA. GRCh37 (hg19) VCF-style: chr9-100203990-T-TA.
Other names: c.467dup, p.Tyr156Ter (NM_001302884.2); c.689dupA (NM_014290.2); short protein forms Y156*, Y230*.
Identifiers: ClinVar variation 427904 (VCV000427904.2), dbSNP rs1554744860, ClinGen allele CA658822910.